The following is an entry in ClinVar:

NM_001206999.2(CIT):c.910G>A (p.Ala304Thr)

Gene: CIT (citron rho-interacting serine/threonine kinase; minus strand). Cytogenetic location: 12q24.23.
Variant type: single nucleotide variant.
Coding change: c.910G>A on transcript NM_001206999.2 (MANE Select); coding-DNA position 910, G replaced by A.
Protein change: p.Ala304Thr; replaces alanine 304 with threonine.
Molecular consequence: missense variant.
Genome position (GRCh38, 1-based): chr12:119,825,212, C>T on the plus strand (G>A on the coding strand, the complement: CIT is on the minus strand). VCF-style: chr12-119825212-C-T. GRCh37 (hg19) VCF-style: chr12-120263016-C-T.
Other names: c.910G>A, p.Ala304Thr (NM_007174.3); short protein forms A304T.
Identifiers: ClinVar variation 2752408 (VCV002752408.3), dbSNP rs770688655, ClinGen allele CA6822264.
Genomic context (GRCh38, chr12:119,825,212, plus strand): 5'-AAGGACTCTTTACCTGGAAATTCATAATGTTATTGAAGGTTCTGGCAGAGGTTCCCTCTG[C>T]GAAGGGGGATCTCCCATAAATCATCTCATAGGCAATCACGCCCACTGACCACCAGTCACA-3'
Protein context (NP_001193928.1, residues 294-314): YEMIYGRSPF[Ala304Thr]EGTSARTFNN

ClinVar aggregate classification (germline): Uncertain significance (1 of 4 stars; one submission).

Allele frequency attached by ClinVar (database versions not stated): TOPMed 0.00001; gnomAD 0.00002; ExAC 0.00003.
gnomAD v4.1: 37 of 1,613,914 alleles (0.0023%); highest among the groups gnomAD compares: East Asian, 0.053%; 1 homozygote.

Submission:

Labcorp Genetics (formerly Invitae), Labcorp
Classification: Uncertain significance. Last evaluated: 2023-11-15. Review status: criteria provided, single submitter. Criteria: Invitae Variant Classification Sherloc (09022015). Collection method: clinical testing. Allele origin: germline.
Comment: This sequence change replaces alanine, which is neutral and non-polar, with threonine, which is neutral and polar, at codon 304 of the CIT protein (p.Ala304Thr). This variant is present in population databases (rs770688655, gnomAD 0.003%). This variant has not been reported in the literature in individuals affected with CIT-related conditions. Algorithms developed to predict the effect of missense changes on protein structure and function output the following: SIFT: "Not Available"; PolyPhen-2: "Benign"; Align-GVGD: "Not Available". The threonine amino acid residue is found in multiple mammalian species, which suggests that this missense change does not adversely affect protein function. In summary, the available evidence is currently insufficient to determine the role of this variant in disease. Therefore, it has been classified as a Variant of Uncertain Significance.